The following is an entry in ClinVar:

ClinVar aggregate classification (germline): Likely benign. Review status: criteria provided, multiple submitters, no conflicts (2 of 4 stars). 4 submissions from 4 submitters: Likely benign (3). 1 of the submissions does not count toward it. Last evaluated 2025-06-19.

Conditions:
Hereditary cancer-predisposing syndrome. Also called: Neoplastic Syndromes, Hereditary; Tumor predisposition; Hereditary neoplastic syndrome; Hereditary Cancer Syndrome. Identifiers: Orphanet 140162, MedGen C0027672, MeSH D009386, MONDO:0015356.
Hereditary breast ovarian cancer syndrome. Also called: Hereditary breast and ovarian cancer syndrome; Hereditary breast and ovarian cancer; Hereditary breast and ovarian cancer syndrome (HBOC); Breast and ovarian cancer; Hereditary breast and/or ovarian cancer syndrome; BRCA1- and BRCA2-Associated Hereditary Breast and Ovarian Cancer. Identifiers: Orphanet 145, MedGen C0677776, MeSH D061325, MONDO:0003582. Disease mechanism: loss of function.
Breast-ovarian cancer, familial, susceptibility to, 2 (BROVCA2). Also called: BRCA2 Hereditary Breast and Ovarian Cancer. Identifiers: Orphanet 145, MedGen C2675520, MONDO:0012933, OMIM 612555. Disease mechanism: loss of function.

Allele frequency attached by ClinVar (database versions not stated): gnomAD exomes below 0.00001; ExAC 0.00001; gnomAD 0.00001.
gnomAD v4.1: 3 of 1,609,428 alleles (0.00019%); highest among the groups gnomAD compares: African/African-American, 0.0027%; no homozygotes.

Submissions (4):

Labcorp Genetics (formerly Invitae), Labcorp
Classification: Likely benign for Hereditary breast ovarian cancer syndrome. Last evaluated: 2025-06-19. Review status: criteria provided, single submitter. Criteria: Invitae Variant Classification Sherloc (09022015). Collection method: clinical testing. Allele origin: germline.

Color Diagnostics, LLC DBA Color Health
Classification: Likely benign for Hereditary cancer-predisposing syndrome. Last evaluated: 2018-11-06. Review status: criteria provided, single submitter. Criteria: ACMG Guidelines, 2015. Collection method: clinical testing. Allele origin: germline.

GeneDx
Classification: Likely benign. Last evaluated: 2017-12-04. Review status: criteria provided, single submitter. Criteria: GeneDx Variant Classification (06012015). Collection method: clinical testing. Allele origin: germline. Affected: yes.
Comment: This variant is considered likely benign or benign based on one or more of the following criteria: it is a conservative change, it occurs at a poorly conserved position in the protein, it is predicted to be benign by multiple in silico algorithms, and/or has population frequency not consistent with disease.

Breast Cancer Information Core (BIC) (BRCA2)
Classification: Uncertain significance for Breast-ovarian cancer, familial 2. Last evaluated: 2003-12-23. Review status: no assertion criteria provided. Collection method: clinical testing. Allele origin: germline. Affected: yes. Observed: 1 variant allele. Not counted in ClinVar's aggregate classification.

NM_000059.4(BRCA2):c.516+10C>T

Gene: BRCA2 (BRCA2 DNA repair associated; plus strand). Cytogenetic location: 13q13.1.
Variant type: single nucleotide variant.
Coding change: c.516+10C>T on transcript NM_000059.4 (MANE Select); 10 bases into the intron after coding-DNA position 516, C replaced by T.
Molecular consequence: intron variant.
Genome position (GRCh38, 1-based): chr13:32,326,292, C>T. VCF-style: chr13-32326292-C-T. GRCh37 (hg19) VCF-style: chr13-32900429-C-T.
Other names: IVS6+10C>T.
Identifiers: ClinVar variation 51783 (VCV000051783.13), dbSNP rs81002896, ClinGen allele CA021445.
Genomic context (GRCh38, chr13:32,326,292, plus strand): 5'-TTACCCCCAGTGGTATGTGGGAGTTTGTTTCATACACCAAAGTTTGTGAAGGTAAATATT[C>T]TACCTGGTTTATTTTTATGACTTAGTAATTGAGAATTTGACAATAGCGTTATACCTTTGC-3'